The following is an entry in ClinVar:

ClinVar aggregate classification (germline): Uncertain significance (1 of 4 stars; one submission).

Conditions:
Candidiasis, familial, 9 (CANDF9). Identifiers: Orphanet 1334, MedGen C4225324, MONDO:0014642, OMIM 616445.

Submission:

Labcorp Genetics (formerly Invitae), Labcorp
Classification: Uncertain significance for Candidiasis, familial, 9. Last evaluated: 2024-06-26. Review status: criteria provided, single submitter. Criteria: Invitae Variant Classification Sherloc (09022015). Collection method: clinical testing. Allele origin: germline.
Comment: This sequence change replaces glycine, which is neutral and non-polar, with glutamic acid, which is acidic and polar, at codon 578 of the IL17RC protein (p.Gly578Glu). This variant is not present in population databases (gnomAD no frequency). This variant has not been reported in the literature in individuals affected with IL17RC-related conditions. An algorithm developed to predict the effect of missense changes on protein structure and function (PolyPhen-2) suggests that this variant is likely to be disruptive. In summary, the available evidence is currently insufficient to determine the role of this variant in disease. Therefore, it has been classified as a Variant of Uncertain Significance.

NM_153460.4(IL17RC):c.1520G>A (p.Gly507Glu)

Genes: IL17RC (interleukin 17 receptor C; plus strand), LOC129936143 (ATAC-STARR-seq lymphoblastoid silent region 14050; plus strand). Cytogenetic location: 3p25.3.
Variant type: single nucleotide variant.
Coding change: c.1520G>A on transcript NM_153460.4 (MANE Select); coding-DNA position 1520, G replaced by A.
Protein change: p.Gly507Glu; replaces glycine 507 with glutamic acid.
Molecular consequence: missense variant. On other transcripts: non-coding transcript variant (1), intron variant (6).
Genome position (GRCh38, 1-based): chr3:9,932,856, G>A. VCF-style: chr3-9932856-G-A. GRCh37 (hg19) VCF-style: chr3-9974540-G-A.
Other names: c.1424G>A, p.Gly475Glu (NM_001203265.2); c.1475G>A, p.Gly492Glu (NM_032732.6); c.1733G>A, p.Gly578Glu (NM_153461.4); c.1484-97G>A (NM_001203263.2); c.1433-97G>A (NM_001203264.2); c.1445-97G>A (NM_001367278.1); c.1439-97G>A (NM_001367280.1); c.1388-97G>A (NM_001410711.1); and 1 more; short protein forms G507E, G578E, G475E, G492E.
Identifiers: ClinVar variation 3657874 (VCV003657874.2).